The following is an entry in ClinVar:

ClinVar aggregate classification (germline): Uncertain significance (1 of 4 stars; one submission).

Conditions:
Hereditary cancer-predisposing syndrome. Also called: Tumor predisposition; Neoplastic Syndromes, Hereditary; Hereditary Cancer Syndrome; Hereditary neoplastic syndrome. Identifiers: Orphanet 140162, MedGen C0027672, MeSH D009386, MONDO:0015356.

Submission:

Ambry Genetics
Classification: Uncertain significance for Hereditary cancer-predisposing syndrome. Last evaluated: 2019-11-27. Review status: criteria provided, single submitter. Criteria: Ambry Variant Classification Scheme 2023. Collection method: clinical testing. Allele origin: germline.
Comment: The p.R2400G variant (also known as c.7198A>G), located in coding exon 48 of the ATM gene, results from an A to G substitution at nucleotide position 7198. The arginine at codon 2400 is replaced by glycine, an amino acid with dissimilar properties. This amino acid position is not well conserved in available vertebrate species. In addition, the in silico prediction for this alteration is inconclusive. Since supporting evidence is limited at this time, the clinical significance of this alteration remains unclear.

NM_000051.4(ATM):c.7198A>G (p.Arg2400Gly)

Genes: ATM (ATM serine/threonine kinase; plus strand), C11orf65 (chromosome 11 open reading frame 65; minus strand). Cytogenetic location: 11q22.3.
Variant type: single nucleotide variant.
Coding change: c.7198A>G on transcript NM_000051.4 (MANE Select); coding-DNA position 7198, A replaced by G.
Protein change: p.Arg2400Gly; replaces arginine 2400 with glycine.
Molecular consequence: missense variant. On other transcripts: intron variant (2).
Genome position (GRCh38, 1-based): chr11:108,329,129, A>G. VCF-style: chr11-108329129-A-G. GRCh37 (hg19) VCF-style: chr11-108199856-A-G.
Other names: c.7198A>G, p.Arg2400Gly (NM_001351834.2); c.641-20058T>C (NM_001330368.2); c.*38+6091T>C (NM_001351110.2); short protein forms R2400G.
Identifiers: ClinVar variation 826898 (VCV000826898.6), dbSNP rs777423778, ClinGen allele CA382559609.